The following is an entry in ClinVar:

ClinVar aggregate classification (germline): Pathogenic. Review status: criteria provided, multiple submitters, no conflicts (2 of 4 stars). 4 submissions from 4 submitters: Pathogenic (2). 2 of the submissions do not count toward it. Last evaluated 2022-07-19.

Conditions:
TSC2-related disorder. Also called: TSC2-related condition; TSC2-Related Disorders.
Tuberous sclerosis syndrome (TSC). Also called: Tuberous Sclerosis Complex; Tuberous sclerosis. Identifiers: Orphanet 805, MedGen C0041341, MONDO:0001734.
Tuberous sclerosis 2 (TSC2). Identifiers: Orphanet 805, MedGen C1860707, MONDO:0013199, OMIM 613254.

Submissions (4):

Division of Genomic Medicine, Department of Advanced Medicine, Medical Research Institute, Kanazawa Medical University
Classification: Pathogenic for Tuberous sclerosis 2. Last evaluated: 2022-07-19. Review status: criteria provided, single submitter. Criteria: ACMG Guidelines, 2015. Collection method: clinical testing. Allele origin: germline. Affected: yes. Observed: 1 variant allele.

GeneDx
Classification: Pathogenic. Last evaluated: 2022-03-24. Review status: criteria provided, single submitter. Criteria: GeneDx Variant Classification Process June 2021. Collection method: clinical testing. Allele origin: germline. Affected: yes.
Comment: Nonsense variant predicted to result in protein truncation or nonsense mediated decay in a gene for which loss of function is a known mechanism of disease; Not observed at significant frequency in large population cohorts (gnomAD); This variant is associated with the following publications: (PMID: 25927202, 27406250)

PreventionGenetics, part of Exact Sciences
Classification: Pathogenic for TSC2-related condition. Last evaluated: 2024-05-04. Review status: no assertion criteria provided. Collection method: clinical testing. Allele origin: germline. Not counted in ClinVar's aggregate classification.
Comment: The TSC2 c.3099C>G variant is predicted to result in premature protein termination (p.Tyr1033*). This variant was reported in the heterozygous state or mosaicism state in individuals with Tuberous sclerosis (Nellist et al 2015. PubMed ID: 25927202; suppl. Table 1 in Togi S et al 2022. PubMed ID: 36232477) and it occurred de novo in the patient (Nellist et al 2015. PubMed ID: 25927202). This variant has not been reported in a large population database, indicating this variant is rare. Nonsense variants in TSC2 are expected to be pathogenic. This variant is interpreted as pathogenic.

Tuberous sclerosis database (TSC2)
No classification provided. Condition: TSC. Review status: no classification provided. Criteria: Tuberous Sclerosis Database Assertion Criteria 2015. Collection method: curation. Allele origin: germline. Affected: yes. Not counted in ClinVar's aggregate classification.

NM_000548.5(TSC2):c.3099C>G (p.Tyr1033Ter)

Gene: TSC2 (TSC complex subunit 2; plus strand). Cytogenetic location: 16p13.3.
Variant type: single nucleotide variant.
Coding change: c.3099C>G on transcript NM_000548.5 (MANE Select); coding-DNA position 3099, C replaced by G.
Protein change: p.Tyr1033Ter; replaces tyrosine 1033 with a stop codon.
Molecular consequence: nonsense.
Genome position (GRCh38, 1-based): chr16:2,079,164, C>G. VCF-style: chr16-2079164-C-G. GRCh37 (hg19) VCF-style: chr16-2129165-C-G.
Other names: c.2967C>G, p.Tyr989Ter (NM_001077183.3, NM_001370404.1); c.3099C>G, p.Tyr1033Ter (NM_001114382.3); c.2859C>G, p.Tyr953Ter (NM_001318827.2); c.2823C>G, p.Tyr941Ter (NM_001318829.2); c.2367C>G, p.Tyr789Ter (NM_001318831.2); c.3000C>G, p.Tyr1000Ter (NM_001318832.2); c.2970C>G, p.Tyr990Ter (NM_001363528.2, NM_001370405.1, NM_021055.3); c.3099C>G (NM_000548.4); short protein forms Y1033*, Y953*, Y789*, Y941*, Y990*, Y1000*, Y989*.
Identifiers: ClinVar variation 49735 (VCV000049735.6), dbSNP rs45464800, ClinGen allele CA018525.